The following is an entry in ClinVar:

ClinVar aggregate classification (germline): Benign. Review status: criteria provided, multiple submitters, no conflicts (2 of 4 stars). 4 submissions from 4 submitters: Benign (4). Last evaluated 2021-07-14.

Conditions:
Systemic lupus erythematosus (SLE). Identifiers: Orphanet 536, MedGen C0024141, MONDO:0007915, OMIM 152700, HP:0002725.
Maturity-onset diabetes of the young type 11. Identifiers: Orphanet 552, MedGen C3150618, MONDO:0013242, OMIM 613375.

Allele frequency attached by ClinVar (database versions not stated): ESP Exome Variant Server 0.37633; gnomAD 0.41687 and 0.42494; TOPMed 0.43977; gnomAD exomes 0.46826; ExAC 0.52910; 1000 Genomes Project 30x 0.53607; 1000 Genomes Project 0.54533.
gnomAD v4.1: 630,891 of 1,594,148 alleles (40%); highest among the groups gnomAD compares: East Asian, 92%; 133,786 homozygotes.

Submissions (4):

Genome-Nilou Lab
Classification: Benign for Maturity-onset diabetes of the young type 11. Last evaluated: 2021-07-14. Review status: criteria provided, single submitter. Criteria: ACMG Guidelines, 2015. Collection method: clinical testing. Allele origin: germline. Affected: no.

GeneDx
Classification: Benign. Last evaluated: 2018-08-09. Review status: criteria provided, single submitter. Criteria: GeneDx Variant Classification Process June 2021. Collection method: clinical testing. Allele origin: germline. Affected: yes.

Breakthrough Genomics
Classification: Benign. Review status: criteria provided, single submitter. Criteria: ACMG Guidelines, 2015. Collection method: not provided. Allele origin: germline. Inheritance: Autosomal dominant inheritance. Affected: yes.

Clinical Genomics, Uppaluri K&H Personalized Medicine Clinic
Classification: Benign for Systemic lupus erythematosus. Review status: criteria provided, single submitter. Criteria: K & H Uppaluri Personalized Medicine Clinic Variant Classification & Assertion Criteria_Updated V.1. Collection method: research. Allele origin: unknown.
Comment: BLK gene is associated with Systemic lupus erythematosus, sjogren's syndrome and other systemic inflammatory conditions. However no sufficient evidence is found to ascertain the role of this particular variant rs10097015, yet.

Literature cited by the submitters: PubMed 32313195 (cited by Clinical Genomics, Uppaluri K&H Personalized Medicine Clinic); PubMed 19667185 (cited by Clinical Genomics, Uppaluri K&H Personalized Medicine Clinic); PubMed 18204098 (cited by Clinical Genomics, Uppaluri K&H Personalized Medicine Clinic); PubMed 24023612 (cited by Clinical Genomics, Uppaluri K&H Personalized Medicine Clinic); PubMed 31670388 (cited by Clinical Genomics, Uppaluri K&H Personalized Medicine Clinic).

NM_001715.3(BLK):c.1313-28C>T

Gene: BLK (BLK proto-oncogene, Src family tyrosine kinase). Cytogenetic location: 8p23.1.
Variant type: single nucleotide variant.
Coding change: c.1313-28C>T on transcript NM_001715.3 (MANE Select); 28 bases into the intron before coding-DNA position 1313, C replaced by T.
Molecular consequence: intron variant.
Genome position (GRCh38, 1-based): chr8:11,563,875, C>T. VCF-style: chr8-11563875-C-T. GRCh37 (hg19) VCF-style: chr8-11421384-C-T.
Other names: c.1100-28C>T (NM_001330465.2).
Identifiers: ClinVar variation 1192495 (VCV001192495.7), dbSNP rs10097015, ClinGen allele CA4630476.